The following is an entry in ClinVar:

NM_001372044.2(SHANK3):c.4790del (p.Leu1597fs)

Gene: SHANK3 (SH3 and multiple ankyrin repeat domains 3; plus strand). Cytogenetic location: 22q13.33.
Variant type: Deletion.
Coding change: c.4790del on transcript NM_001372044.2 (MANE Select); coding-DNA position 4790, one base deleted (T; older notation c.4790delT).
Protein change: p.Leu1597fs; shifts the reading frame from leucine 1597.
Molecular consequence: frameshift variant.
Genome position (GRCh38, 1-based): chr22:50,722,398, T deleted. VCF-style (leftmost placement, unchanged base first): chr22-50722397-CT-C. GRCh37 (hg19) VCF-style: chr22-51160825-CT-C.
Other names: c.4565delT, p.Leu1522Argfs (NM_033517.1); short protein forms L1597fs.
Identifiers: ClinVar variation 280176 (VCV000280176.2), dbSNP rs886041430, ClinGen allele CA10603397.

ClinVar aggregate classification (germline): Pathogenic (1 of 4 stars; one submission).

Submission:

GeneDx
Classification: Pathogenic. Last evaluated: 2015-12-10. Review status: criteria provided, single submitter. Criteria: GeneDx Variant Classification (06012015). Collection method: clinical testing. Allele origin: germline. Affected: yes.
Comment: The c.4565delT pathogenic variant in the SHANK3 gene has not been reported previously as a pathogenic variant nor as a benign variant, to our knowledge. The c.4565delT variant causes a frameshift starting with codon Leucine 1522, changes this amino acid to a Arginine residue, and creates a premature Stop codon at position 22 of the new reading frame, denoted p.Leu1522ArgfsX22. This variant is predicted to cause loss of normal protein function through protein truncation. The c.4565delT variant was not observed in approximately 5,700 individuals of European and African American ancestry in the NHLBI Exome Sequencing Project, indicating it is not a common benign variant in these populations. We interpret c.4565delT as a pathogenic variant.